The following is an entry in ClinVar:

NM_001256071.3(RNF213):c.14701C>T (p.Leu4901Phe)

Genes: RNF213-AS1 (RNF213 antisense RNA 1; minus strand), RNF213 (ring finger protein 213; plus strand), LOC126862664 (CDK7 strongly-dependent group 2 enhancer GRCh37_chr17:78359110-78360309; plus strand). Cytogenetic location: 17q25.3.
Variant type: single nucleotide variant.
Coding change: c.14701C>T on transcript NM_001256071.3 (MANE Select); coding-DNA position 14701, C replaced by T.
Protein change: p.Leu4901Phe; replaces leucine 4901 with phenylalanine.
Molecular consequence: missense variant.
Genome position (GRCh38, 1-based): chr17:80,386,411, C>T. VCF-style: chr17-80386411-C-T. GRCh37 (hg19) VCF-style: chr17-78360211-C-T.
Other names: c.14701C>T (NM_001256071.2); c.14848C>T, p.Leu4950Phe (NM_001410195.1, NM_020914.5); short protein forms L4901F, L4950F.
Identifiers: ClinVar variation 3717274 (VCV003717274.3).

ClinVar aggregate classification (germline): Uncertain significance. Review status: criteria provided, multiple submitters, no conflicts (2 of 4 stars). 2 submissions from 2 submitters: Uncertain significance (2). Last evaluated 2025-09-05.

Conditions:
RNF213-related disorder. Also called: RNF213-related condition.

gnomAD v4.1: 99 of 1,614,036 alleles (0.0061%); highest among the groups gnomAD compares: Middle Eastern, 0.016%; no homozygotes.

Submissions (2):

PreventionGenetics, part of Exact Sciences
Classification: Uncertain significance for RNF213-related condition. Last evaluated: 2025-09-05. Review status: criteria provided, single submitter. Criteria: ACMG Guidelines, 2015. Collection method: clinical testing. Allele origin: germline.
Comment: The RNF213 c.14701C>T variant is predicted to result in the amino acid substitution p.Leu4901Phe. To our knowledge, this variant has not been reported in the literature. This variant is reported in 0.012% of alleles in individuals of European (Non-Finnish) descent in gnomAD. At this time, the clinical significance of this variant is uncertain due to the absence of conclusive functional and genetic evidence.

Labcorp Genetics (formerly Invitae), Labcorp
Classification: Uncertain significance. Last evaluated: 2024-02-14. Review status: criteria provided, single submitter. Criteria: Invitae Variant Classification Sherloc (09022015). Collection method: clinical testing. Allele origin: germline.
Comment: This sequence change replaces leucine, which is neutral and non-polar, with phenylalanine, which is neutral and non-polar, at codon 4901 of the RNF213 protein (p.Leu4901Phe). This variant is present in population databases (rs141825791, gnomAD 0.01%). This variant has not been reported in the literature in individuals affected with RNF213-related conditions. Algorithms developed to predict the effect of missense changes on protein structure and function output the following: SIFT: "Not Available"; PolyPhen-2: "Benign"; Align-GVGD: "Not Available". The phenylalanine amino acid residue is found in multiple mammalian species, which suggests that this missense change does not adversely affect protein function. In summary, the available evidence is currently insufficient to determine the role of this variant in disease. Therefore, it has been classified as a Variant of Uncertain Significance.